The following is an entry in ClinVar:

NM_000138.5(FBN1):c.1758G>A (p.Met586Ile)

Gene: FBN1 (fibrillin 1; minus strand). Cytogenetic location: 15q21.1.
Variant type: single nucleotide variant.
Coding change: c.1758G>A on transcript NM_000138.5 (MANE Select); coding-DNA position 1758, G replaced by A.
Protein change: p.Met586Ile; replaces methionine 586 with isoleucine.
Molecular consequence: missense variant.
Genome position (GRCh38, 1-based): chr15:48,508,661, C>T on the plus strand (G>A on the coding strand, the complement: FBN1 is on the minus strand). VCF-style: chr15-48508661-C-T. GRCh37 (hg19) VCF-style: chr15-48800858-C-T.
Other names: c.1758G>A, p.Met586Ile (NM_001406716.1); short protein forms M586I.
Identifiers: ClinVar variation 4756931 (VCV004756931.1).
Genomic context (GRCh38, chr15:48,508,661, plus strand): 5'-TGATGCCAGCTGGAATCCAGGTTTGCAAATACATTTAAAACTGCCATCTTCATTGATACA[C>T]ATTCCATTAAGGCACATGTTCCTTATGCTGCATTCATCCATATCTGAAAATACAAAACAT-3'
Protein context (NP_000129.3, residues 576-596): CSIRNMCLNG[Met586Ile]CINEDGSFKC

ClinVar aggregate classification (germline): Uncertain significance (1 of 4 stars; one submission).

Conditions:
Familial thoracic aortic aneurysm and aortic dissection (TAAD). Also called: Thoracic aortic aneurysms and dissections. Identifiers: Orphanet 91387, MedGen C4707243, MONDO:0019625.

Submission:

Color Diagnostics, LLC DBA Color Health
Classification: Uncertain significance for Familial thoracic aortic aneurysm and aortic dissection. Last evaluated: 2025-06-09. Review status: criteria provided, single submitter. Criteria: ACMG Guidelines, 2015. Collection method: clinical testing. Allele origin: germline.
Comment: This missense variant replaces methionine with isoleucine at codon 586 of the FBN1 protein. Computational prediction suggests that this variant may not impact protein structure and function. To our knowledge, functional studies have not been reported for this variant. This variant has not been reported in individuals affected with FBN1-related disorders in the literature. This variant has not been identified in the general population by the Genome Aggregation Database (gnomAD). The available evidence is insufficient to determine the role of this variant in disease conclusively. Therefore, this variant is classified as a Variant of Uncertain Significance.